The following is an entry in ClinVar:

ClinVar aggregate classification (germline): Likely benign. Review status: criteria provided, multiple submitters, no conflicts (2 of 4 stars). 2 submissions from 2 submitters: Likely benign (2). Last evaluated 2026-09-01.

gnomAD v4.1: 115 of 1,610,076 alleles (0.0071%); highest among the groups gnomAD compares: Non-Finnish European, 0.0087%; no homozygotes.

Submissions (2):

CeGaT Center for Human Genetics Tuebingen
Classification: Likely benign. Last evaluated: 2026-09-01. Review status: criteria provided, single submitter. Criteria: CeGaT Center For Human Genetics Tuebingen Variant Classification Criteria Version 2. Collection method: clinical testing. Allele origin: germline. Affected: yes. Observed: 1 variant allele.
Comment: ANGPTL3: BP4, BP7

Labcorp Genetics (formerly Invitae), Labcorp
Classification: Likely benign. Last evaluated: 2025-03-19. Review status: criteria provided, single submitter. Criteria: Invitae Variant Classification Sherloc (09022015). Collection method: clinical testing. Allele origin: germline.

NM_014495.4(ANGPTL3):c.687T>G (p.Leu229=)

Genes: ANGPTL3 (angiopoietin like 3; plus strand), DOCK7 (dedicator of cytokinesis 7; minus strand). Cytogenetic location: 1p31.3.
Variant type: single nucleotide variant.
Coding change: c.687T>G on transcript NM_014495.4 (MANE Select); coding-DNA position 687, T replaced by G.
Protein change: p.Leu229=; no amino-acid change (leucine 229 retained).
Molecular consequence: synonymous variant. On other transcripts: intron variant (7).
Genome position (GRCh38, 1-based): chr1:62,601,162, T>G. VCF-style: chr1-62601162-T-G. GRCh37 (hg19) VCF-style: chr1-63066833-T-G.
Other names: c.1683-14538A>C (NM_001272001.2, NM_001272000.2, NM_033407.4 and 4 more transcripts).
Identifiers: ClinVar variation 3730384 (VCV003730384.3).
Genomic context (GRCh38, chr1:62,601,162, plus strand): 5'-AGAACCCACAGAAATTTCTCTATCTTCCAAGCCAAGAGCACCAAGAACTACTCCCTTTCT[T>G]CAGTTGAATGAAATAAGAAATGTAAAACATGATGGTAAGACACTTTGGTGGGTTTCCTTC-3'
Protein context (NP_055310.1, residues 219-239): KPRAPRTTPF[Leu229=]QLNEIRNVKH